The following is an entry in ClinVar:

ClinVar aggregate classification (germline): Benign. Review status: criteria provided, multiple submitters, no conflicts (2 of 4 stars). 2 submissions from 2 submitters: Benign (2). Last evaluated 2025-09-26.

Conditions:
Atypical hemolytic-uremic syndrome. Identifiers: Orphanet 2134, MedGen C2931788, MONDO:0016244.

Allele frequency attached by ClinVar (database versions not stated): 1000 Genomes Project 30x 0.24516; 1000 Genomes Project 0.24760; TOPMed 0.26149; gnomAD 0.26851 and 0.27254; gnomAD exomes 0.34495.
gnomAD v4.1: 237,770 of 722,146 alleles (33%); highest among the groups gnomAD compares: Middle Eastern, 47%; 42,360 homozygotes.

Submissions (3):

Genomenon, Inc
Classification: Benign for Atypical hemolytic-uremic syndrome. Last evaluated: 2025-09-26. Review status: criteria provided, single submitter. Criteria: Genomenon Sequence Variant Interpretation Standards - Updated. Collection method: curation. Allele origin: germline. Affected: no.
Comment: CFB c.1408+206T>C is an intronic variant located in intron 10. This variant has been reported in the published literature (PMID:29682912). In conclusion, we classify CFB c.1408+206T>C as a benign variant.

GeneDx
Classification: Benign. Last evaluated: 2021-06-18. Review status: criteria provided, single submitter. Criteria: GeneDx Variant Classification Process June 2021. Collection method: clinical testing. Allele origin: germline. Affected: yes.

Dr. Peter K. Rogan Lab, Western University
No classification provided (evidence only). Condition: Familial cancer of breast. Review status: no classification provided. Collection method: in vitro. Allele origin: not applicable. Functional consequence: retained intron. Not counted in ClinVar's aggregate classification.

Literature cited by the submitters: PubMed 29682912 (cited by Genomenon, Inc).

NM_001710.6(CFB):c.1408+206T>C

Gene: CFB (complement factor B; plus strand). Cytogenetic location: 6p21.33.
Variant type: single nucleotide variant.
Coding change: c.1408+206T>C on transcript NM_001710.6 (MANE Select); 206 bases into the intron after coding-DNA position 1408, T replaced by C.
Molecular consequence: intron variant.
Genome position (GRCh38, 1-based): chr6:31,949,763, T>C. VCF-style: chr6-31949763-T-C. GRCh37 (hg19) VCF-style: chr6-31917540-T-C.
Other names: NC_000006.11:g.31917540T>C.
Identifiers: ClinVar variation 1259216 (VCV001259216.4), dbSNP rs4151657, ClinGen allele CA12266126.